The following is an entry in ClinVar:

ClinVar aggregate classification (germline): Uncertain significance (1 of 4 stars; one submission).

Conditions:
Emery-Dreifuss muscular dystrophy 5, autosomal dominant (EDMD5). Also called: EMERY-DREIFUSS MUSCULAR DYSTROPHY 5. Identifiers: Orphanet 261, MedGen C2751805, MONDO:0013072, OMIM 612999.

Allele frequency attached by ClinVar (database versions not stated): gnomAD exomes below 0.00001.
gnomAD v4.1: 1 of 1,613,724 alleles (0.000062%); highest among the groups gnomAD compares: Admixed American, 0.0017%; no homozygotes.

Submission:

Labcorp Genetics (formerly Invitae), Labcorp
Classification: Uncertain significance for Emery-Dreifuss muscular dystrophy 5, autosomal dominant. Last evaluated: 2022-07-06. Review status: criteria provided, single submitter. Criteria: Invitae Variant Classification Sherloc (09022015). Collection method: clinical testing. Allele origin: germline.
Comment: Algorithms developed to predict the effect of missense changes on protein structure and function are either unavailable or do not agree on the potential impact of this missense change (SIFT: "Deleterious"; PolyPhen-2: "Benign"; Align-GVGD: "Class C0"). In summary, the available evidence is currently insufficient to determine the role of this variant in disease. Therefore, it has been classified as a Variant of Uncertain Significance. This sequence change replaces aspartic acid, which is acidic and polar, with valine, which is neutral and non-polar, at codon 268 of the SYNE2 protein (p.Asp268Val). ClinVar contains an entry for this variant (Variation ID: 1411805). This variant has not been reported in the literature in individuals affected with SYNE2-related conditions. This variant is not present in population databases (gnomAD no frequency).

NM_182914.3(SYNE2):c.803A>T (p.Asp268Val)

Gene: SYNE2 (spectrin repeat containing nuclear envelope protein 2; plus strand). Cytogenetic location: 14q23.2.
Variant type: single nucleotide variant.
Coding change: c.803A>T on transcript NM_182914.3 (MANE Select); coding-DNA position 803, A replaced by T.
Protein change: p.Asp268Val; replaces aspartic acid 268 with valine.
Molecular consequence: missense variant.
Genome position (GRCh38, 1-based): chr14:63,961,540, A>T. VCF-style: chr14-63961540-A-T. GRCh37 (hg19) VCF-style: chr14-64428258-A-T.
Other names: c.803A>T, p.Asp268Val (NM_015180.6); short protein forms D268V.
Identifiers: ClinVar variation 1411805 (VCV001411805.8), dbSNP rs1566917767, ClinGen allele CA389946726.